The following is an entry in ClinVar:

NM_021020.5(LZTS1):c.557G>T (p.Ser186Ile)

Gene: LZTS1 (leucine zipper tumor suppressor 1; minus strand). Cytogenetic location: 8p21.3.
Variant type: single nucleotide variant.
Coding change: c.557G>T on transcript NM_021020.5 (MANE Select); coding-DNA position 557, G replaced by T.
Protein change: p.Ser186Ile; replaces serine 186 with isoleucine.
Molecular consequence: missense variant.
Genome position (GRCh38, 1-based): chr8:20,253,374, C>A on the plus strand (G>T on the coding strand, the complement: LZTS1 is on the minus strand). VCF-style: chr8-20253374-C-A. GRCh37 (hg19) VCF-style: chr8-20110885-C-A.
Other names: c.557G>T, p.Ser186Ile (NM_001362884.2); short protein forms S186I.
Identifiers: ClinVar variation 2873531 (VCV002873531.3), dbSNP rs2486313932, ClinGen allele CA370478019.

ClinVar aggregate classification (germline): Uncertain significance (1 of 4 stars; one submission).

Allele frequency attached by ClinVar (database versions not stated): gnomAD exomes below 0.00001.
gnomAD v4.1: 1 of 1,613,330 alleles (0.000062%); highest among the groups gnomAD compares: South Asian, 0.0011%; no homozygotes.

Submission:

Labcorp Genetics (formerly Invitae), Labcorp
Classification: Uncertain significance. Last evaluated: 2023-12-02. Review status: criteria provided, single submitter. Criteria: Invitae Variant Classification Sherloc (09022015). Collection method: clinical testing. Allele origin: germline.
Comment: This sequence change replaces serine, which is neutral and polar, with isoleucine, which is neutral and non-polar, at codon 186 of the LZTS1 protein (p.Ser186Ile). This variant is not present in population databases (gnomAD no frequency). This variant has not been reported in the literature in individuals affected with LZTS1-related conditions. Advanced modeling of protein sequence and biophysical properties (such as structural, functional, and spatial information, amino acid conservation, physicochemical variation, residue mobility, and thermodynamic stability) performed at Invitae indicates that this missense variant is expected to disrupt LZTS1 protein function with a positive predictive value of 80%. In summary, the available evidence is currently insufficient to determine the role of this variant in disease. Therefore, it has been classified as a Variant of Uncertain Significance.